The following is an entry in ClinVar:

NM_133433.4(NIPBL):c.2643A>G (p.Pro881=)

Gene: NIPBL (NIPBL cohesin loading factor; plus strand). Cytogenetic location: 5p13.2.
Variant type: single nucleotide variant.
Coding change: c.2643A>G on transcript NM_133433.4 (MANE Select); coding-DNA position 2643, A replaced by G.
Protein change: p.Pro881=; no amino-acid change (proline 881 retained).
Molecular consequence: synonymous variant.
Genome position (GRCh38, 1-based): chr5:36,985,823, A>G. VCF-style: chr5-36985823-A-G. GRCh37 (hg19) VCF-style: chr5-36985925-A-G.
Other names: c.2643A>G, p.Pro881= (NM_015384.5); c.2643A>G (NM_133433.3).
Identifiers: ClinVar variation 2909818 (VCV002909818.5), dbSNP rs200496609, ClinGen allele CA3236206.

ClinVar aggregate classification (germline): Likely benign. Review status: criteria provided, single submitter (1 of 4 stars). 2 submissions from 2 submitters: Likely benign (1). 1 of the submissions does not count toward it. Last evaluated 2025-06-30.

Conditions:
Cornelia de Lange syndrome 1 (CDLS1). Also called: TYPUS DEGENERATIVUS AMSTELODAMENSIS; Brachmann de Lange syndrome; NIPBL-Related Cornelia de Lange Syndrome. Identifiers: Orphanet 199, MedGen C4551851, MONDO:0007387, OMIM 122470.
NIPBL-related disorder. Also called: NIPBL-related condition.

Allele frequency attached by ClinVar (database versions not stated): gnomAD exomes below 0.00001; ExAC 0.00001; gnomAD 0.00001; 1000 Genomes Project 30x 0.00016; 1000 Genomes Project 0.00020.
gnomAD v4.1: 4 of 1,613,966 alleles (0.00025%); highest among the groups gnomAD compares: Middle Eastern, 0.016%; no homozygotes.

Submissions (2):

Labcorp Genetics (formerly Invitae), Labcorp
Classification: Likely benign for Cornelia de Lange syndrome 1. Last evaluated: 2025-06-30. Review status: criteria provided, single submitter. Criteria: Invitae Variant Classification Sherloc (09022015). Collection method: clinical testing. Allele origin: germline.

PreventionGenetics, part of Exact Sciences
Classification: Likely benign for NIPBL-related condition. Last evaluated: 2020-04-17. Review status: no assertion criteria provided. Collection method: clinical testing. Allele origin: germline. Not counted in ClinVar's aggregate classification.
Comment: This variant is classified as likely benign based on ACMG/AMP sequence variant interpretation guidelines (Richards et al. 2015 PMID: 25741868, with internal and published modifications).